The following is an entry in ClinVar:

ClinVar aggregate classification (germline): Uncertain significance (1 of 4 stars; one submission).

Conditions:
Werner syndrome (WRN). Identifiers: Orphanet 902, MedGen C0043119, MONDO:0010196, OMIM 277700.

Submission:

Labcorp Genetics (formerly Invitae), Labcorp
Classification: Uncertain significance for Werner syndrome. Last evaluated: 2022-05-02. Review status: criteria provided, single submitter. Criteria: Invitae Variant Classification Sherloc (09022015). Collection method: clinical testing. Allele origin: germline.
Comment: In summary, the available evidence is currently insufficient to determine the role of this variant in disease. Therefore, it has been classified as a Variant of Uncertain Significance. Algorithms developed to predict the effect of missense changes on protein structure and function are either unavailable or do not agree on the potential impact of this missense change (SIFT: "Not Available"; PolyPhen-2: "Benign"; Align-GVGD: "Not Available"). This variant has not been reported in the literature in individuals affected with WRN-related conditions. This variant is not present in population databases (gnomAD no frequency). This sequence change replaces leucine, which is neutral and non-polar, with isoleucine, which is neutral and non-polar, at codon 247 of the WRN protein (p.Leu247Ile).

NM_000553.6(WRN):c.739C>A (p.Leu247Ile)

Gene: WRN (WRN RecQ like helicase; plus strand). Cytogenetic location: 8p12.
Variant type: single nucleotide variant.
Coding change: c.739C>A on transcript NM_000553.6 (MANE Select); coding-DNA position 739, C replaced by A.
Protein change: p.Leu247Ile; replaces leucine 247 with isoleucine.
Molecular consequence: missense variant.
Genome position (GRCh38, 1-based): chr8:31,076,187, C>A. VCF-style: chr8-31076187-C-A. GRCh37 (hg19) VCF-style: chr8-30933703-C-A.
Other names: short protein forms L247I.
Identifiers: ClinVar variation 2132991 (VCV002132991.4), dbSNP rs2130094465, ClinGen allele CA370918343.